The following is an entry in ClinVar:

ClinVar aggregate classification (germline): Pathogenic (1 of 4 stars; one submission).

gnomAD v4.1: 1 of 1,613,578 alleles (0.000062%); highest among the groups gnomAD compares: Non-Finnish European, 0.000085%; no homozygotes.

Submission:

GeneDx
Classification: Pathogenic. Last evaluated: 2025-01-15. Review status: criteria provided, single submitter. Criteria: GeneDx Variant Classification Process June 2021. Collection method: clinical testing. Allele origin: germline.
Comment: Nonsense variant predicted to result in protein truncation or nonsense mediated decay in a gene for which loss of function is a known mechanism of disease; Not observed at significant frequency in large population cohorts (gnomAD); Has not been previously published as pathogenic or benign to our knowledge

NM_001042681.2(RERE):c.4246C>T (p.Arg1416Ter)

Gene: RERE (arginine-glutamic acid dipeptide repeats; minus strand). Cytogenetic location: 1p36.23.
Variant type: single nucleotide variant.
Coding change: c.4246C>T on transcript NM_001042681.2 (MANE Select); coding-DNA position 4246, C replaced by T.
Protein change: p.Arg1416Ter; replaces arginine 1416 with a stop codon.
Molecular consequence: nonsense.
Genome position (GRCh38, 1-based): chr1:8,358,289, G>A on the plus strand (C>T on the coding strand, the complement: RERE is on the minus strand). VCF-style: chr1-8358289-G-A. GRCh37 (hg19) VCF-style: chr1-8418349-G-A.
Other names: c.2584C>T, p.Arg862Ter (NM_001042682.2); c.4246C>T, p.Arg1416Ter (NM_012102.4); short protein forms R1416*, R862*.
Identifiers: ClinVar variation 2663297 (VCV002663297.2), dbSNP rs2522692782, ClinGen allele CA338168914.